The following is an entry in ClinVar:

NM_003482.4(KMT2D):c.15636C>T (p.Ala5212=)

Gene: KMT2D (lysine methyltransferase 2D; minus strand). Cytogenetic location: 12q13.12.
Variant type: single nucleotide variant.
Coding change: c.15636C>T on transcript NM_003482.4 (MANE Select); coding-DNA position 15636, C replaced by T.
Protein change: p.Ala5212=; no amino-acid change (alanine 5212 retained).
Molecular consequence: synonymous variant.
Genome position (GRCh38, 1-based): chr12:49,026,330, G>A on the plus strand (C>T on the coding strand, the complement: KMT2D is on the minus strand). VCF-style: chr12-49026330-G-A. GRCh37 (hg19) VCF-style: chr12-49420113-G-A.
Identifiers: ClinVar variation 2045871 (VCV002045871.5), dbSNP rs371853535, ClinGen allele CA6545528.

ClinVar aggregate classification (germline): Benign/Likely benign. Review status: criteria provided, multiple submitters, no conflicts (2 of 4 stars). 2 submissions from 2 submitters: Benign (1); Likely benign (1). Last evaluated 2025-09-29.

Conditions:
Kabuki syndrome. Also called: Kabuki make-up syndrome; NIIKAWA-KUROKI SYNDROME. Identifiers: Orphanet 2322, MedGen C0796004, MONDO:0016512.
KMT2D-related disorder. Also called: KMT2D-Related Disorders.

Allele frequency attached by ClinVar (database versions not stated): gnomAD exomes 0.00001; ExAC 0.00002; TOPMed 0.00002; gnomAD 0.00004; ESP Exome Variant Server 0.00008.
gnomAD v4.1: 10 of 1,612,056 alleles (0.00062%); highest among the groups gnomAD compares: Admixed American, 0.0017%; no homozygotes.

Submissions (2):

Labcorp Genetics (formerly Invitae), Labcorp
Classification: Benign for Kabuki syndrome. Last evaluated: 2025-09-29. Review status: criteria provided, single submitter. Criteria: Invitae Variant Classification Sherloc (09022015). Collection method: clinical testing. Allele origin: germline.

PreventionGenetics, part of Exact Sciences
Classification: Likely benign for KMT2D-related condition. Last evaluated: 2025-07-16. Review status: criteria provided, single submitter. Criteria: ACMG Guidelines, 2015. Collection method: clinical testing. Allele origin: germline.
Comment: This variant is classified as likely benign based on ACMG/AMP sequence variant interpretation guidelines (Richards et al. 2015 PMID: 25741868, with internal and published modifications).